The following is an entry in ClinVar:

NM_005262.2(GFER):c.-55_-44delGACCTGGAGGCT

Genes: GFER (growth factor, augmenter of liver regeneration; plus strand), LOC130058203 (ATAC-STARR-seq lymphoblastoid silent region 7014; plus strand). Cytogenetic location: 16p13.3.
Variant type: Deletion.
Coding change: c.-55_-44delGACCTGGAGGCT on transcript NM_005262.2; 55 bases upstream of the start codon through 44 bases upstream of the start codon, 12 bases deleted (GACCTGGAGGCT).
Genome position (GRCh38, 1-based): chr16:1,984,164-1,984,175, GACCTGGAGGCT deleted; deleting any 12 consecutive bases within chr16:1,984,154-1,984,175 gives the same sequence; the c. name uses the placement nearest the transcript's 3' end. VCF-style (leftmost placement, unchanged base first): chr16-1984153-GCCTGGAGGCTGA-G. GRCh37 (hg19) VCF-style: chr16-2034154-GCCTGGAGGCTGA-G.
Identifiers: ClinVar variation 509455 (VCV000509455.3), dbSNP rs914835160, ClinGen allele CA276772828.
Genomic context (GRCh38, chr16:1,984,153, plus strand): 5'-GGCTCGGGCCCGGCCCCCGCGAGCACGGCGCGCGCCTCCGGCTCCTGTGGCCGCGCGCTG[GCCTGGAGGCTGA>G]CCTGGAGGCTCATCTGGAGGCCGAGCTGACCCGGCAGGCCTTGCGCGGGCAACATGGCGG-3'

ClinVar aggregate classification (germline): Likely benign (1 of 4 stars; one submission).

Submission:

GeneDx
Classification: Likely benign. Last evaluated: 2018-03-06. Review status: criteria provided, single submitter. Criteria: GeneDx Variant Classification (06012015). Collection method: clinical testing. Allele origin: germline. Affected: yes.
Comment: This variant is considered likely benign or benign based on one or more of the following criteria: it is a conservative change, it occurs at a poorly conserved position in the protein, it is predicted to be benign by multiple in silico algorithms, and/or has population frequency not consistent with disease.